The following is an entry in ClinVar:

ClinVar aggregate classification (germline): Uncertain significance (1 of 4 stars; one submission).

Submission:

Women's Health and Genetics/Laboratory Corporation of America, LabCorp
Classification: Uncertain significance. Last evaluated: 2025-11-07. Review status: criteria provided, single submitter. Criteria: LabCorp Variant Classification Summary - May 2015. Collection method: clinical testing. Allele origin: germline.
Comment: Variant summary: The variant involves the deletion of exons 1-6 in the CFHR4 gene. A presumed nomenclature of c.(?_-100)_(997+1_998-1)del has been designated for the purposes of this classification. The exact breakpoint at the 5' end of this variant is unknown, therefore this deletion may extend upstream of the annotated region of this gene. Although the exact breakpoints of this deletion are not known, it is predicted to remove the initiation codon and result in an absence of protein or a truncation of the encoded protein due to translation initiation at a downstream site. Current evidence is not sufficient to establish loss of function as a mechanism for disease. The deletion of exons 1-6 in the CFHR4 gene in isolation was not found in controls (gnomAD). However, a large deletion (size: ~124 kbp; which includes the 3'-part of the CFHR3 gene, the entire CFHR1 gene, and exons 1-6 of the CFHR4 gene) was found at a frequency of 0.015 in 125,112 control chromosomes in the gnomAD database (SVs v4.1.0 dataset), including 43 homozygotes. The breakpoints of this CNV approximately matches the reported (pairwise) locations of high sequence identity regions (arising from segmental duplications) within the CFH gene cluster (see e.g. PMIDs: 19861685, 36089777), as deletions tend to occur secondary to nonallelic homologous recombination (NAHR) in segmental duplications. Such large deletions have been reported in the literature in patient(s) with complement-related diseases (e.g. aHUS, C3G, IgAN), but any risk association is currently uncertain (PMID 36089777). No submitters have cited clinical-significance assessments for this variant to ClinVar. In conclusion, while this deletion in combination with the deletion of CFHR1 and part of CFHR3 gene represents a CNV polymorphism, to our knowledge the deletion of exons 1-6 in the CFHR4 gene in isolation was not reported. Based on the evidence outlined above, the variant was classified as uncertain significance.

NC_000001.10:g.(?_196857181)_(196879609_196881869)del

Gene: CFHR4 (complement factor H related 4; plus strand). Cytogenetic location: 1q31.3.
Variant type: Deletion.
Identifiers: ClinVar variation 4536967 (VCV004536967.1).